The following is an entry in ClinVar:

NM_001843.4(CNTN1):c.2594C>T (p.Ser865Leu)

Gene: CNTN1 (contactin 1; plus strand). Cytogenetic location: 12q12.
Variant type: single nucleotide variant.
Coding change: c.2594C>T on transcript NM_001843.4 (MANE Select); coding-DNA position 2594, C replaced by T.
Protein change: p.Ser865Leu; replaces serine 865 with leucine.
Molecular consequence: missense variant.
Genome position (GRCh38, 1-based): chr12:41,025,220, C>T. VCF-style: chr12-41025220-C-T. GRCh37 (hg19) VCF-style: chr12-41419022-C-T.
Other names: c.2561C>T, p.Ser854Leu (NM_175038.2); short protein forms S865L, S854L.
Identifiers: ClinVar variation 1483579 (VCV001483579.7), dbSNP rs761108267, ClinGen allele CA6517185.

ClinVar aggregate classification (germline): Uncertain significance (1 of 4 stars; one submission).

Conditions:
Compton-North congenital myopathy (CMYO12). Identifiers: Orphanet 210163, MedGen C2675527, MONDO:0012929, OMIM 612540.

Allele frequency attached by ClinVar (database versions not stated): gnomAD 0.00001; gnomAD exomes 0.00001 and 0.00003; ExAC 0.00002.
gnomAD v4.1: 15 of 1,613,828 alleles (0.00093%); highest among the groups gnomAD compares: Admixed American, 0.012%; no homozygotes.

Submission:

Labcorp Genetics (formerly Invitae), Labcorp
Classification: Uncertain significance for Compton-North congenital myopathy. Last evaluated: 2022-08-23. Review status: criteria provided, single submitter. Criteria: Invitae Variant Classification Sherloc (09022015). Collection method: clinical testing. Allele origin: germline.
Comment: This variant has not been reported in the literature in individuals affected with CNTN1-related conditions. This variant is present in population databases (rs761108267, gnomAD 0.02%). This sequence change replaces serine, which is neutral and polar, with leucine, which is neutral and non-polar, at codon 865 of the CNTN1 protein (p.Ser865Leu). ClinVar contains an entry for this variant (Variation ID: 1483579). In summary, the available evidence is currently insufficient to determine the role of this variant in disease. Therefore, it has been classified as a Variant of Uncertain Significance. Advanced modeling of protein sequence and biophysical properties (such as structural, functional, and spatial information, amino acid conservation, physicochemical variation, residue mobility, and thermodynamic stability) performed at Invitae indicates that this missense variant is not expected to disrupt CNTN1 protein function.